The following is an entry in ClinVar:

NM_002016.2(FLG):c.7833A>G (p.Glu2611=)

Genes: CCDST (cervical cancer associated DHX9 suppressive transcript; plus strand), FLG (filaggrin; minus strand). Cytogenetic location: 1q21.3.
Variant type: single nucleotide variant.
Coding change: c.7833A>G on transcript NM_002016.2 (MANE Select); coding-DNA position 7833, A replaced by G.
Protein change: p.Glu2611=; no amino-acid change (glutamic acid 2611 retained).
Molecular consequence: synonymous variant.
Genome position (GRCh38, 1-based): chr1:152,307,053, T>C on the plus strand (A>G on the coding strand, the complement: FLG is on the minus strand). VCF-style: chr1-152307053-T-C. GRCh37 (hg19) VCF-style: chr1-152279529-T-C.
Identifiers: ClinVar variation 4281569 (VCV004281569.7).

ClinVar aggregate classification (germline): Likely benign (1 of 4 stars; one submission).

Submission:

CeGaT Center for Human Genetics Tuebingen
Classification: Likely benign. Last evaluated: 2025-09-01. Review status: criteria provided, single submitter. Criteria: CeGaT Center For Human Genetics Tuebingen Variant Classification Criteria Version 2. Collection method: clinical testing. Allele origin: germline. Affected: yes. Observed: 1 variant allele.
Comment: FLG: PM2:Supporting, BP4, BP7